The following is an entry in ClinVar:

NM_002181.4(IHH):c.25C>A (p.Arg9=)

Gene: IHH (Indian hedgehog signaling molecule; minus strand). Cytogenetic location: 2q35.
Variant type: single nucleotide variant.
Coding change: c.25C>A on transcript NM_002181.4 (MANE Select); coding-DNA position 25, C replaced by A.
Protein change: p.Arg9=; no amino-acid change (arginine 9 retained).
Molecular consequence: synonymous variant.
Genome position (GRCh38, 1-based): chr2:219,060,443, G>T on the plus strand (C>A on the coding strand, the complement: IHH is on the minus strand). VCF-style: chr2-219060443-G-T. GRCh37 (hg19) VCF-style: chr2-219925165-G-T.
Identifiers: ClinVar variation 3056112 (VCV003056112.2), dbSNP rs904571891, ClinGen allele CA431419779.

ClinVar aggregate classification (germline): Likely benign (0 of 4 stars; one submission).

Conditions:
IHH-related disorder. Also called: IHH-related condition.

gnomAD v4.1: 2 of 1,563,754 alleles (0.00013%); no homozygotes.

Submission:

PreventionGenetics, part of Exact Sciences
Classification: Likely benign for IHH-related condition. Last evaluated: 2023-12-04. Review status: no assertion criteria provided. Collection method: clinical testing. Allele origin: germline.
Comment: This variant is classified as likely benign based on ACMG/AMP sequence variant interpretation guidelines (Richards et al. 2015 PMID: 25741868, with internal and published modifications).